The following is an entry in ClinVar:

ClinVar aggregate classification (germline): Benign. Review status: criteria provided, multiple submitters, no conflicts (2 of 4 stars). 2 submissions from 2 submitters: Benign (2). Last evaluated 2018-01-13.

Conditions:
NAFLD1 (FLD1). Also called: FATTY LIVER DISEASE, SUSCEPTIBILITY TO, 1; Fatty liver disease, nonalcoholic 1. Identifiers: MedGen C2750440, MONDO:0021105, OMIM 613282.

Allele frequency attached by ClinVar (database versions not stated): 1000 Genomes Project 0.02157; 1000 Genomes Project 30x 0.02249; gnomAD 0.04635 and 0.04807; TOPMed 0.04877; gnomAD exomes 0.04940.
gnomAD v4.1: 24,613 of 503,318 alleles (4.9%); highest among the groups gnomAD compares: Middle Eastern, 9.9%; 822 homozygotes.

Submissions (2):

Illumina Laboratory Services, Illumina
Classification: Benign for NAFLD1. Last evaluated: 2018-01-13. Review status: criteria provided, single submitter. Criteria: ICSL Variant Classification Criteria 13 December 2019. Collection method: clinical testing. Allele origin: germline.
Comment: This variant was observed in the ICSL laboratory as part of a predisposition screen in an ostensibly healthy population. It had not been previously curated by ICSL or reported in the Human Gene Mutation Database (HGMD: prior to June 1st, 2018), and was therefore a candidate for classification through an automated scoring system. Utilizing variant allele frequency, disease prevalence and penetrance estimates, and inheritance mode, an automated score was calculated to assess if this variant is too frequent to cause the disease. Based on the score and internal cut-off values, a variant classified as benign is not then subjected to further curation. The score for this variant resulted in a classification of benign for this disease.

Breakthrough Genomics
Classification: Benign. Review status: criteria provided, single submitter. Criteria: ACMG Guidelines, 2015. Collection method: not provided. Allele origin: germline. Inheritance: Unknown mechanism. Affected: yes.

NM_025225.3(PNPLA3):c.*429T>C

Gene: PNPLA3 (patatin like domain 3, 1-acylglycerol-3-phosphate O-acyltransferase; plus strand). Cytogenetic location: 22q13.31.
Variant type: single nucleotide variant.
Coding change: c.*429T>C on transcript NM_025225.3 (MANE Select); 429 bases downstream of the stop codon, T replaced by C.
Molecular consequence: 3 prime UTR variant.
Genome position (GRCh38, 1-based): chr22:43,946,811, T>C. VCF-style: chr22-43946811-T-C. GRCh37 (hg19) VCF-style: chr22-44342691-T-C.
Identifiers: ClinVar variation 341952 (VCV000341952.6), dbSNP rs41278873, ClinGen allele CA10653620.